The following is an entry in ClinVar:

ClinVar aggregate classification (germline): Likely benign. Review status: criteria provided, multiple submitters, no conflicts (2 of 4 stars). 5 submissions from 5 submitters: Likely benign (5). Last evaluated 2025-03-27.

Conditions:
Cardiovascular phenotype. Identifiers: MedGen CN230736.
Arrhythmogenic right ventricular cardiomyopathy (ARVD). Also called: Cardiomyopathy, ARVC; Arrhythmogenic right ventricular dysplasia; Arrhythmogenic cardiomyopathy; Arrhythmogenic Right Ventricular Cardiomyopathy (ARVC). Identifiers: Orphanet 247, MedGen C0349788, MeSH D019571, MONDO:0016587. Disease mechanism: loss of function. Inheritance: Various modes of inheritance.
Cardiomyopathy (CMYO). Also called: Cardiomyopathies. Identifiers: Orphanet 167848, MedGen C0878544, MONDO:0004994, HP:0001638. Inheritance: Various modes of inheritance.
Arrhythmogenic right ventricular dysplasia 10. Also called: Arrhythmogenic Right Ventricular Dysplasia/Cardiomyopathy10; Arrhythmogenic right ventricular dysplasia/cardiomyopathy, type 10; ARRHYTHMOGENIC RIGHT VENTRICULAR DYSPLASIA, FAMILIAL, 10. Identifiers: MedGen C1857777, MONDO:0012434, OMIM 610193.

Allele frequency attached by ClinVar (database versions not stated): gnomAD exomes 0.00001; ExAC 0.00002; gnomAD 0.00003 and 0.00004; ESP Exome Variant Server 0.00008.
gnomAD v4.1: 19 of 1,539,052 alleles (0.0012%); highest among the groups gnomAD compares: African/African-American, 0.0031%; no homozygotes.

Submissions (5):

Labcorp Genetics (formerly Invitae), Labcorp
Classification: Likely benign for Arrhythmogenic right ventricular dysplasia 10. Last evaluated: 2025-03-27. Review status: criteria provided, single submitter. Criteria: Invitae Variant Classification Sherloc (09022015). Collection method: clinical testing. Allele origin: germline.

All of Us Research Program, National Institutes of Health
Classification: Likely benign for Arrhythmogenic right ventricular cardiomyopathy. Last evaluated: 2023-07-22. Review status: criteria provided, single submitter. Criteria: ACMG Guidelines, 2015. Collection method: clinical testing. Allele origin: germline. Inheritance: Autosomal dominant inheritance. Observed: 3 variant alleles, 3 heterozygotes.
Comment: This study involves interpretation of variants in research participants for the purpose of population health screening. Participant phenotype was not available at the time of variant classification. Additional details can be found in publication PMID: 35346344, PMCID: PMC8962531

Ambry Genetics
Classification: Likely benign for Cardiovascular phenotype. Last evaluated: 2023-03-03. Review status: criteria provided, single submitter. Criteria: Ambry Variant Classification Scheme 2023. Collection method: clinical testing. Allele origin: germline.

Blueprint Genetics
Classification: Likely benign. Last evaluated: 2021-08-06. Review status: criteria provided, single submitter. Criteria: ACMG Guidelines, 2015. Collection method: clinical testing. Allele origin: germline.

Color Diagnostics, LLC DBA Color Health
Classification: Likely benign for Cardiomyopathy. Last evaluated: 2020-03-17. Review status: criteria provided, single submitter. Criteria: ACMG Guidelines, 2015. Collection method: clinical testing. Allele origin: germline.

NM_001943.5(DSG2):c.2304C>T (p.Asn768=)

Genes: DSG2 (desmoglein 2; plus strand), DSG2-AS1 (DSG2 antisense RNA 1; minus strand). Cytogenetic location: 18q12.1.
Variant type: single nucleotide variant.
Coding change: c.2304C>T on transcript NM_001943.5 (MANE Select); coding-DNA position 2304, C replaced by T.
Protein change: p.Asn768=; no amino-acid change (asparagine 768 retained).
Molecular consequence: synonymous variant.
Genome position (GRCh38, 1-based): chr18:31,542,822, C>T. VCF-style: chr18-31542822-C-T. GRCh37 (hg19) VCF-style: chr18-29122785-C-T.
Other names: c.2304C>T (NM_001943.3).
Identifiers: ClinVar variation 919751 (VCV000919751.14), dbSNP rs368514815, ClinGen allele CA045434.